The following is an entry in ClinVar:

NM_001041.4(SI):c.4133T>G (p.Ile1378Ser)

Gene: SI (sucrase-isomaltase; minus strand). Cytogenetic location: 3q26.1.
Variant type: single nucleotide variant.
Coding change: c.4133T>G on transcript NM_001041.4 (MANE Select); coding-DNA position 4133, T replaced by G.
Protein change: p.Ile1378Ser; replaces isoleucine 1378 with serine.
Molecular consequence: missense variant.
Genome position (GRCh38, 1-based): chr3:165,009,325, A>C on the plus strand (T>G on the coding strand, the complement: SI is on the minus strand). VCF-style: chr3-165009325-A-C. GRCh37 (hg19) VCF-style: chr3-164727113-A-C.
Other names: short protein forms I1378S.
Identifiers: ClinVar variation 1375878 (VCV001375878.6), dbSNP rs148831941, ClinGen allele CA2690002.

ClinVar aggregate classification (germline): Conflicting classifications of pathogenicity. Review status: criteria provided, conflicting classifications (1 of 4 stars). 4 submissions from 4 submitters: Likely pathogenic (1); Uncertain significance (3). Last evaluated 2026-04-22.

Conditions:
Sucrase-isomaltase deficiency (CSID). Also called: Congenital sucrose isomaltose malabsorption; Sucrose isomaltose enzyme deficiency; SI DEFICIENCY; Deficiency of isomaltase. Identifiers: Orphanet 35122, MedGen C1283620, MONDO:0009114, OMIM 222900.

Allele frequency attached by ClinVar (database versions not stated): ExAC 0.00007; gnomAD exomes 0.00008 and 0.00013; gnomAD 0.00011 and 0.00012; TOPMed 0.00014; ESP Exome Variant Server 0.00031.
gnomAD v4.1: 199 of 1,613,356 alleles (0.012%); highest among the groups gnomAD compares: Non-Finnish European, 0.016%; no homozygotes.

Submissions (4):

Greenwood Genetic Center Diagnostic Laboratories, Greenwood Genetic Center
Classification: Uncertain significance. Last evaluated: 2026-04-22. Review status: criteria provided, single submitter. Criteria: ACMG Guidelines, 2015. Collection method: clinical testing. Allele origin: germline.
Comment: PS3_Moderate, PM2, PM3_Supporting

Labcorp Genetics (formerly Invitae), Labcorp
Classification: Uncertain significance. Last evaluated: 2026-01-25. Review status: criteria provided, single submitter. Criteria: Invitae Variant Classification Sherloc (09022015). Collection method: clinical testing. Allele origin: germline.
Comment: This sequence change replaces isoleucine, which is neutral and non-polar, with serine, which is neutral and polar, at codon 1378 of the SI protein (p.Ile1378Ser). This variant is present in population databases (rs148831941, gnomAD 0.02%). This missense change has been observed in individual(s) with clinical features of sucrase deficiency (PMID: 32732636). ClinVar contains an entry for this variant (Variation ID: 1375878). Invitae Evidence Modeling of protein sequence and biophysical properties (such as structural, functional, and spatial information, amino acid conservation, physicochemical variation, residue mobility, and thermodynamic stability) indicates that this missense variant is expected to disrupt SI protein function with a positive predictive value of 95%. In summary, the available evidence is currently insufficient to determine the role of this variant in disease. Therefore, it has been classified as a Variant of Uncertain Significance.

Blueprint Genetics
Classification: Uncertain significance. Last evaluated: 2024-11-25. Review status: criteria provided, single submitter. Criteria: ACMG Guidelines, 2015. Collection method: clinical testing. Allele origin: germline.

Fulgent Genetics
Classification: Likely pathogenic for Sucrase-isomaltase deficiency. Last evaluated: 2024-03-20. Review status: criteria provided, single submitter. Criteria: ACMG Guidelines, 2015. Collection method: clinical testing. Allele origin: germline.

Literature cited by the submitters: PubMed 32732636 (cited by Labcorp Genetics (formerly Invitae), Labcorp).